The following is an entry in ClinVar:

ClinVar aggregate classification (germline): Uncertain significance. Review status: criteria provided, multiple submitters, no conflicts (2 of 4 stars). 2 submissions from 2 submitters: Uncertain significance (2). Last evaluated 2022-04-20.

Conditions:
Inborn genetic diseases. Identifiers: MedGen C0950123, MeSH D030342.
Hyperammonemic encephalopathy due to carbonic anhydrase VA deficiency. Also called: Carbonic Anhydrase VA Deficiency; Carbonic anhydrase VA deficiency, hyperammonemia due to. Identifiers: Orphanet 401948, MedGen C4706871, MONDO:0014332, OMIM 615751.

Allele frequency attached by ClinVar (database versions not stated): TOPMed below 0.00001; gnomAD 0.00001; gnomAD exomes 0.00001; ExAC 0.00003.
gnomAD v4.1: 14 of 1,556,998 alleles (0.0009%); highest among the groups gnomAD compares: Middle Eastern, 0.018%; no homozygotes.

Submissions (2):

Labcorp Genetics (formerly Invitae), Labcorp
Classification: Uncertain significance for Hyperammonemic encephalopathy due to carbonic anhydrase VA deficiency. Last evaluated: 2022-04-20. Review status: criteria provided, single submitter. Criteria: Invitae Variant Classification Sherloc (09022015). Collection method: clinical testing. Allele origin: germline.
Comment: This sequence change replaces phenylalanine, which is neutral and non-polar, with isoleucine, which is neutral and non-polar, at codon 215 of the CA5A protein (p.Phe215Ile). The frequency data for this variant in the population databases is considered unreliable, as metrics indicate poor data quality at this position in the gnomAD database. This variant has not been reported in the literature in individuals affected with CA5A-related conditions. Algorithms developed to predict the effect of missense changes on protein structure and function are either unavailable or do not agree on the potential impact of this missense change (SIFT: "Tolerated"; PolyPhen-2: "Probably Damaging"; Align-GVGD: "Class C0"). In summary, the available evidence is currently insufficient to determine the role of this variant in disease. Therefore, it has been classified as a Variant of Uncertain Significance.

Ambry Genetics
Classification: Uncertain significance for Inborn genetic diseases. Last evaluated: 2021-07-16. Review status: criteria provided, single submitter. Criteria: Ambry Variant Classification Scheme 2023. Collection method: clinical testing. Allele origin: germline.

NM_001739.2(CA5A):c.643T>A (p.Phe215Ile)

Gene: CA5A (carbonic anhydrase 5A; minus strand). Cytogenetic location: 16q24.2.
Variant type: single nucleotide variant.
Coding change: c.643T>A on transcript NM_001739.2 (MANE Select); coding-DNA position 643, T replaced by A.
Protein change: p.Phe215Ile; replaces phenylalanine 215 with isoleucine.
Molecular consequence: missense variant. On other transcripts: non-coding transcript variant (2).
Genome position (GRCh38, 1-based): chr16:87,891,930, A>T on the plus strand (T>A on the coding strand, the complement: CA5A is on the minus strand). VCF-style: chr16-87891930-A-T. GRCh37 (hg19) VCF-style: chr16-87925536-A-T.
Other names: c.643T>A, p.Phe215Ile (NM_001367225.1); c.643T>A (NM_001739.1); short protein forms F215I.
Identifiers: ClinVar variation 2139845 (VCV002139845.5), dbSNP rs747371774, ClinGen allele CA8223331.